The following is an entry in ClinVar:

NM_002691.4(POLD1):c.3160C>T (p.Leu1054Phe)

Gene: POLD1 (DNA polymerase delta 1, catalytic subunit; plus strand). Cytogenetic location: 19q13.33.
Variant type: single nucleotide variant.
Coding change: c.3160C>T on transcript NM_002691.4 (MANE Select); coding-DNA position 3160, C replaced by T.
Protein change: p.Leu1054Phe; replaces leucine 1054 with phenylalanine.
Molecular consequence: missense variant. On other transcripts: non-coding transcript variant (1).
Genome position (GRCh38, 1-based): chr19:50,417,211, C>T. VCF-style: chr19-50417211-C-T. GRCh37 (hg19) VCF-style: chr19-50920468-C-T.
Other names: c.3160C>T, p.Leu1054Phe (NM_001256849.1); c.3238C>T, p.Leu1080Phe (NM_001308632.1); short protein forms L1080F, L1054F.
Identifiers: ClinVar variation 574194 (VCV000574194.13), dbSNP rs1443868841, ClinGen allele CA406987369.

ClinVar aggregate classification (germline): Uncertain significance. Review status: criteria provided, multiple submitters, no conflicts (2 of 4 stars). 2 submissions from 2 submitters: Uncertain significance (2). Last evaluated 2025-12-27.

Conditions:
POLD1-related polyposis and colorectal cancer syndrome (CRCS10). Also called: Colorectal cancer 10; COLORECTAL CANCER, SUSCEPTIBILITY TO, ON CHROMOSOME 19q; Colorectal cancer, susceptibility to, 10. Identifiers: Orphanet 220460, MedGen C2675481, MONDO:0012953, OMIM 612591.
Hereditary cancer-predisposing syndrome. Also called: Tumor predisposition; Neoplastic Syndromes, Hereditary; Hereditary Cancer Syndrome; Hereditary neoplastic syndrome. Identifiers: Orphanet 140162, MedGen C0027672, MeSH D009386, MONDO:0015356.

Allele frequency attached by ClinVar (database versions not stated): gnomAD 0.00001; gnomAD exomes 0.00001; TOPMed 0.00001.
gnomAD v4.1: 9 of 1,606,800 alleles (0.00056%); highest among the groups gnomAD compares: East Asian, 0.013%; no homozygotes.

Submissions (2):

Labcorp Genetics (formerly Invitae), Labcorp
Classification: Uncertain significance for POLD1-related polyposis and colorectal cancer syndrome. Last evaluated: 2025-12-27. Review status: criteria provided, single submitter. Criteria: Invitae Variant Classification Sherloc (09022015). Collection method: clinical testing. Allele origin: germline.
Comment: This sequence change replaces leucine, which is neutral and non-polar, with phenylalanine, which is neutral and non-polar, at codon 1054 of the POLD1 protein (p.Leu1054Phe). This variant is present in population databases (no rsID available, gnomAD 0.006%). This variant has not been reported in the literature in individuals affected with POLD1-related conditions. ClinVar contains an entry for this variant (Variation ID: 574194). Invitae Evidence Modeling of protein sequence and biophysical properties (such as structural, functional, and spatial information, amino acid conservation, physicochemical variation, residue mobility, and thermodynamic stability) indicates that this missense variant is not expected to disrupt POLD1 protein function with a negative predictive value of 80%. In summary, the available evidence is currently insufficient to determine the role of this variant in disease. Therefore, it has been classified as a Variant of Uncertain Significance.

Ambry Genetics
Classification: Uncertain significance for Hereditary cancer-predisposing syndrome. Last evaluated: 2024-06-29. Review status: criteria provided, single submitter. Criteria: Ambry Variant Classification Scheme 2023. Collection method: clinical testing. Allele origin: germline.
Comment: The p.L1054F variant (also known as c.3160C>T), located in coding exon 25 of the POLD1 gene, results from a C to T substitution at nucleotide position 3160. The leucine at codon 1054 is replaced by phenylalanine, an amino acid with highly similar properties. This amino acid position is conserved. In addition, this alteration is predicted to be tolerated by in silico analysis. Since supporting evidence is limited at this time, the clinical significance of this alteration remains unclear.